The following is an entry in ClinVar:

ClinVar aggregate classification (germline): Uncertain significance (1 of 4 stars; one submission).

Submission:

GeneDx
Classification: Uncertain significance. Last evaluated: 2024-06-24. Review status: criteria provided, single submitter. Criteria: GeneDx Variant Classification Process June 2021. Collection method: clinical testing. Allele origin: germline. Affected: yes.
Comment: Not observed at significant frequency in large population cohorts (gnomAD); In silico analysis indicates that this missense variant does not alter protein structure/function; Has not been previously published as pathogenic or benign to our knowledge

NM_138927.4(SON):c.5470T>A (p.Ser1824Thr)

Gene: SON (SON DNA and RNA binding protein; plus strand). Cytogenetic location: 21q22.11.
Variant type: single nucleotide variant.
Coding change: c.5470T>A on transcript NM_138927.4 (MANE Select); coding-DNA position 5470, T replaced by A.
Protein change: p.Ser1824Thr; replaces serine 1824 with threonine.
Molecular consequence: missense variant. On other transcripts: non-coding transcript variant (1), intron variant (1).
Genome position (GRCh38, 1-based): chr21:33,554,701, T>A. VCF-style: chr21-33554701-T-A. GRCh37 (hg19) VCF-style: chr21-34927007-T-A.
Other names: c.5470T>A, p.Ser1824Thr (NM_001291411.2, NM_032195.3); c.245-2455T>A (NM_001291412.3); short protein forms S1824T.
Identifiers: ClinVar variation 3392861 (VCV003392861.1).
Genomic context (GRCh38, chr21:33,554,701, plus strand): 5'-AAGAAAAATAAGAACCGTGATAAGGGGGAGAAAGAGAAGAAAAGAGACTCTTCATTAAGA[T>A]CTCGAAGTAAGCGTTCCAAATCTTCTGAACACAAATCACGCAAGCGTACCAGTGAATCTC-3'
Protein context (NP_620305.3, residues 1814-1834): KEKKRDSSLR[Ser1824Thr]RSKRSKSSEH